The following is an entry in ClinVar:

ClinVar aggregate classification (germline): Conflicting classifications of pathogenicity. Review status: criteria provided, conflicting classifications (1 of 4 stars). 3 submissions from 3 submitters: Likely pathogenic (1); Uncertain significance (2). Last evaluated 2025-06-29.

Conditions:
Thrombophilia due to protein C deficiency, autosomal dominant. Also called: PROC DEFICIENCY, AUTOSOMAL DOMINANT; PROTEIN C DEFICIENCY, AUTOSOMAL DOMINANT. Identifiers: Orphanet 745, MedGen C2674321, MONDO:0008316, OMIM 176860. Disease mechanism: loss of function.

Submissions (3):

Labcorp Genetics (formerly Invitae), Labcorp
Classification: Uncertain significance for Thrombophilia due to protein C deficiency, autosomal dominant. Last evaluated: 2025-06-29. Review status: criteria provided, single submitter. Criteria: Invitae Variant Classification Sherloc (09022015). Collection method: clinical testing. Allele origin: germline.
Comment: This sequence change replaces aspartic acid, which is acidic and polar, with glycine, which is neutral and non-polar, at codon 77 of the PROC protein (p.Asp77Gly). This variant is not present in population databases (gnomAD no frequency). This missense change has been observed in individual(s) with PROC-related conditions (PMID: 7670104, 25618265). This variant is also known as 1493A>G, 35D>G. An algorithm developed to predict the effect of missense changes on protein structure and function (PolyPhen-2) suggests that this variant is likely to be disruptive. Experimental studies have shown that this missense change does not substantially affect PROC function (PMID: 25618265). Algorithms developed to predict the effect of sequence changes on RNA splicing suggest that this variant may disrupt the consensus splice site. In summary, the available evidence is currently insufficient to determine the role of this variant in disease. Therefore, it has been classified as a Variant of Uncertain Significance.

Mayo Clinic Laboratories, Mayo Clinic
Classification: Likely pathogenic. Last evaluated: 2024-10-21. Review status: criteria provided, single submitter. Criteria: ACMG Guidelines, 2015. Collection method: clinical testing. Allele origin: germline. Observed: 1 variant allele.
Comment: PP1_moderate, PP3, PM1_supporting, PM2_supporting, PS4_moderate

Blueprint Genetics
Classification: Uncertain significance. Last evaluated: 2024-06-27. Review status: criteria provided, single submitter. Criteria: ACMG Guidelines, 2015. Collection method: clinical testing. Allele origin: germline.

Literature cited by the submitters: PubMed 7670104 (cited by Labcorp Genetics (formerly Invitae), Labcorp and Mayo Clinic Laboratories, Mayo Clinic); PubMed 25618265 (cited by Labcorp Genetics (formerly Invitae), Labcorp and Mayo Clinic Laboratories, Mayo Clinic); PubMed 37647632 (cited by Mayo Clinic Laboratories, Mayo Clinic).

NM_000312.4(PROC):c.230A>G (p.Asp77Gly)

Gene: PROC (protein C, inactivator of coagulation factors Va and VIIIa; plus strand). Cytogenetic location: 2q14.3.
Variant type: single nucleotide variant.
Coding change: c.230A>G on transcript NM_000312.4 (MANE Select); coding-DNA position 230, A replaced by G.
Protein change: p.Asp77Gly; replaces aspartic acid 77 with glycine.
Molecular consequence: missense variant.
Genome position (GRCh38, 1-based): chr2:127,421,442, A>G. VCF-style: chr2-127421442-A-G. GRCh37 (hg19) VCF-style: chr2-128179018-A-G.
Other names: p.Asp77Gly; c.413A>G, p.Asp138Gly (NM_001375602.1); c.293A>G, p.Asp98Gly (NM_001375603.1, NM_001375604.1, NM_001375606.1); c.230A>G, p.Asp77Gly (NM_001375605.1, NM_001375608.1, NM_001375611.1 and 1 more transcripts); c.314A>G, p.Asp105Gly (NM_001375607.1); c.206A>G, p.Asp69Gly (NM_001375609.1); c.224A>G, p.Asp75Gly (NM_001375610.1); short protein forms D105G, D75G, D77G, D69G, D98G, D138G.
Identifiers: ClinVar variation 4540666 (VCV004540666.3).